The following is an entry in ClinVar:

NM_000051.4(ATM):c.7193A>G (p.Tyr2398Cys)

Genes: ATM (ATM serine/threonine kinase; plus strand), C11orf65 (chromosome 11 open reading frame 65; minus strand). Cytogenetic location: 11q22.3.
Variant type: single nucleotide variant.
Coding change: c.7193A>G on transcript NM_000051.4 (MANE Select); coding-DNA position 7193, A replaced by G.
Protein change: p.Tyr2398Cys; replaces tyrosine 2398 with cysteine.
Molecular consequence: missense variant. On other transcripts: intron variant (2).
Genome position (GRCh38, 1-based): chr11:108,329,124, A>G. VCF-style: chr11-108329124-A-G. GRCh37 (hg19) VCF-style: chr11-108199851-A-G.
Other names: c.7193A>G, p.Tyr2398Cys (NM_001351834.2); c.641-20053T>C (NM_001330368.2); c.*38+6096T>C (NM_001351110.2); short protein forms Y2398C.
Identifiers: ClinVar variation 826896 (VCV000826896.14), dbSNP rs1591151173, ClinGen allele CA382559597.
Genomic context (GRCh38, chr11:108,329,124, plus strand): 5'-AGCTAAGAAATGGAAAAATGAAGGCATTTCTCTCATTAGCCCGGTTTTCAGATACTCAAT[A>G]CCAAAGAATTGAAAACTACATGAAATCATCGGAATTTGAAAACAAGCAAGCTCTCCTGAA-3'
Protein context (NP_000042.3, residues 2388-2408): LSLARFSDTQ[Tyr2398Cys]QRIENYMKSS

ClinVar aggregate classification (germline): Uncertain significance. Review status: criteria provided, multiple submitters, no conflicts (2 of 4 stars). 2 submissions from 2 submitters: Uncertain significance (2). Last evaluated 2023-12-27.

Conditions:
Hereditary cancer-predisposing syndrome. Also called: Tumor predisposition; Neoplastic Syndromes, Hereditary; Hereditary Cancer Syndrome; Hereditary neoplastic syndrome. Identifiers: Orphanet 140162, MedGen C0027672, MeSH D009386, MONDO:0015356.
Ataxia-telangiectasia syndrome (AT). Also called: ATAXIA-TELANGIECTASIA, COMPLEMENTATION GROUP A; ATAXIA-TELANGIECTASIA, FRESNO VARIANT; Ataxia-telangiectasia; Ataxia-telangiectasia, complementation group D; AT, COMPLEMENTATION GROUP C; Ataxia-telangiectasia, complementation group E. Identifiers: Orphanet 100, MedGen C0004135, MONDO:0008840, OMIM 208900.

Submissions (2):

Labcorp Genetics (formerly Invitae), Labcorp
Classification: Uncertain significance for Ataxia-telangiectasia syndrome. Last evaluated: 2023-12-27. Review status: criteria provided, single submitter. Criteria: Invitae Variant Classification Sherloc (09022015). Collection method: clinical testing. Allele origin: germline.
Comment: This sequence change replaces tyrosine, which is neutral and polar, with cysteine, which is neutral and slightly polar, at codon 2398 of the ATM protein (p.Tyr2398Cys). This variant is not present in population databases (gnomAD no frequency). This variant has not been reported in the literature in individuals affected with ATM-related conditions. ClinVar contains an entry for this variant (Variation ID: 826896). An algorithm developed to predict the effect of missense changes on protein structure and function (PolyPhen-2) suggests that this variant is likely to be disruptive. In summary, the available evidence is currently insufficient to determine the role of this variant in disease. Therefore, it has been classified as a Variant of Uncertain Significance.

Ambry Genetics
Classification: Uncertain significance for Hereditary cancer-predisposing syndrome. Last evaluated: 2018-01-04. Review status: criteria provided, single submitter. Criteria: Ambry Variant Classification Scheme 2023. Collection method: clinical testing. Allele origin: germline.
Comment: The p.Y2398C variant (also known as c.7193A>G), located in coding exon 48 of the ATM gene, results from an A to G substitution at nucleotide position 7193. The tyrosine at codon 2398 is replaced by cysteine, an amino acid with highly dissimilar properties. This amino acid position is highly conserved in available vertebrate species. In addition, this alteration is predicted to be deleterious by in silico analysis. Since supporting evidence is limited at this time, the clinical significance of this alteration remains unclear.